The following is an entry in ClinVar:

ClinVar aggregate classification (germline): Pathogenic. Review status: criteria provided, multiple submitters, no conflicts (2 of 4 stars). 5 submissions from 5 submitters: Pathogenic (4). 1 of the submissions does not count toward it. Last evaluated 2024-12-30.

Conditions:
Hereditary spherocytosis type 1. Also called: Spherocytosis type 1; ANK1-Related Spherocytosis. Identifiers: Orphanet 822, MedGen C2674218, MONDO:0008447, OMIM 182900.
ANK1-related disorder. Also called: ANK1-related condition.

Submissions (5):

Revvity Omics, Revvity
Classification: Pathogenic for Hereditary spherocytosis type 1. Last evaluated: 2024-12-30. Review status: criteria provided, single submitter. Criteria: ACMG Guidelines, 2015. Collection method: clinical testing. Allele origin: germline.

PreventionGenetics, part of Exact Sciences
Classification: Pathogenic for ANK1-related condition. Last evaluated: 2023-08-30. Review status: criteria provided, single submitter. Criteria: ACMG Guidelines, 2015. Collection method: clinical testing. Allele origin: germline.
Comment: The ANK1 c.1519dupC variant is predicted to result in a frameshift and premature protein termination (p.Leu507Profs*7). This variant has previously been reported to be causative for autosomal dominant hereditary spherocytosis (Gallagher et al 2000. PubMed ID: 11167760; Aggarwal A et al 2019. PubMed ID: 31602632; Tole S et al 2020. PubMed ID: 32436265;). This variant has not been reported in a large population database, indicating this variant is rare. Frameshift variants in ANK1 are expected to be pathogenic. This variant is interpreted as pathogenic.

ARUP Laboratories, Molecular Genetics and Genomics, ARUP Laboratories
Classification: Pathogenic for Hereditary spherocytosis type 1. Last evaluated: 2023-03-25. Review status: criteria provided, single submitter. Criteria: ARUP Molecular Germline Variant Investigation Process 2024. Collection method: clinical testing. Allele origin: germline.
Comment: The ANK1 c.1519dup; p.Leu507ProfsTer7 variant (rs397514029) is reported in the literature in at least five individuals affected with hereditary spherocytosis (Aggarwal 2020, Gallagher 2000, Tole 2020). This variant is also reported in ClinVar (Variation ID: 511). This variant is absent from the Genome Aggregation Database, indicating it is not a common polymorphism. This variant causes a frameshift by inserting a single nucleotide, so it is predicted to result in a truncated protein or mRNA subject to nonsense-mediated decay. Based on available information, this variant is considered to be pathogenic. REFERENCES Aggarwal A et al. Deciphering molecular heterogeneity of Indian families with hereditary spherocytosis using targeted next-generation sequencing: First South Asian study. Br J Haematol. 2020 Mar. PMID: 31602632 Gallagher PG et al. A recurrent frameshift mutation of the ankyrin gene associated with severe hereditary spherocytosis. Br J Haematol. 2000 Dec. PMID: 11167760 Tole S et al. Genotype-phenotype correlation in children with hereditary spherocytosis. Br J Haematol. 2020 Nov. PMID: 32436265

Suma Genomics
Classification: Pathogenic for Hereditary spherocytosis type 1. Review status: criteria provided, single submitter. Criteria: ACMG Guidelines, 2015. Collection method: clinical testing. Allele origin: unknown. Inheritance: Autosomal dominant inheritance. Affected: yes.

OMIM
Classification: Pathogenic for SPHEROCYTOSIS, TYPE 1, DUE TO ANKYRIN FLORIANOPOLIS. Last evaluated: 2000-12-01. Review status: no assertion criteria provided. Collection method: literature only. Allele origin: germline. Not counted in ClinVar's aggregate classification.

Literature cited by the submitters: PubMed 11167760 (cited by OMIM).

NM_000037.4(ANK1):c.1519dup (p.Leu507fs)

Gene: ANK1 (ankyrin 1; minus strand). Cytogenetic location: 8p11.21.
Variant type: Duplication.
Coding change: c.1519dup on transcript NM_000037.4 (MANE Select); coding-DNA position 1519, one base duplicated (C; older notation c.1519dupC).
Protein change: p.Leu507fs; shifts the reading frame from leucine 507.
Molecular consequence: frameshift variant.
Genome position (GRCh38, 1-based): chr8:41,715,735, G duplicated on the plus strand (C on the coding strand, the reverse complement: ANK1 is on the minus strand); the first of 6 consecutive G bases (chr8:41,715,735-41,715,740); duplicating any one gives the same sequence. VCF-style (leftmost placement, unchanged base first): chr8-41715734-A-AG. GRCh37 (hg19) VCF-style: chr8-41573252-A-AG.
Other names: ankyrin Florianópolis; c.1618dupC (NM_001142446.2); c.1618dup, p.Leu540fs (NM_001142446.2); c.1519dup, p.Leu507fs (NM_020475.3, NM_020476.3, NM_020477.3); c.1519dupC (NM_020476.2); short protein forms L507fs, L540fs.
Identifiers: ClinVar variation 511 (VCV000000511.6), dbSNP rs397514029, ClinGen allele CA114345.